The following is an entry in ClinVar:

NM_017841.4(SDHAF2):c.117C>G (p.Ser39Arg)

Gene: SDHAF2 (succinate dehydrogenase complex assembly factor 2; plus strand). Cytogenetic location: 11q12.2.
Variant type: single nucleotide variant.
Coding change: c.117C>G on transcript NM_017841.4 (MANE Select); coding-DNA position 117, C replaced by G.
Protein change: p.Ser39Arg; replaces serine 39 with arginine.
Molecular consequence: missense variant.
Genome position (GRCh38, 1-based): chr11:61,437,705, C>G. VCF-style: chr11-61437705-C-G. GRCh37 (hg19) VCF-style: chr11-61205177-C-G.
Other names: short protein forms S39R.
Identifiers: ClinVar variation 4161225 (VCV004161225.1).
Genomic context (GRCh38, chr11:61,437,705, plus strand): 5'-CAGCCTATTGTCTCCTTTGCTCAGTGTGACATCATTCAGACGCTTCTACAGAGGTGACAG[C>G]CCAACAGATTCCCAAAAGGACATGATTGAAATCCCTTTGCCTCCATGGCAGGAGAGAACT-3'
Protein context (NP_060311.1, residues 29-49): TSFRRFYRGD[Ser39Arg]PTDSQKDMIE

ClinVar aggregate classification (germline): Uncertain significance (1 of 4 stars; one submission).

Conditions:
Hereditary cancer-predisposing syndrome. Also called: Neoplastic Syndromes, Hereditary; Tumor predisposition; Hereditary Cancer Syndrome; Hereditary neoplastic syndrome. Identifiers: Orphanet 140162, MedGen C0027672, MeSH D009386, MONDO:0015356.

Submission:

Ambry Genetics
Classification: Uncertain significance for Hereditary cancer-predisposing syndrome. Last evaluated: 2025-08-20. Review status: criteria provided, single submitter. Criteria: Ambry Variant Classification Scheme 2023. Collection method: clinical testing. Allele origin: germline.
Comment: The p.S39R variant (also known as c.117C>G), located in coding exon 2 of the SDHAF2 gene, results from a C to G substitution at nucleotide position 117. The serine at codon 39 is replaced by arginine, an amino acid with dissimilar properties. This amino acid position is conserved. In addition, this alteration is predicted to be tolerated by in silico analysis. Based on the available evidence, the clinical significance of this variant remains unclear.